The following is an entry in ClinVar:

NM_003791.4(MBTPS1):c.841A>C (p.Asn281His)

Gene: MBTPS1 (membrane bound transcription factor peptidase, site 1; minus strand). Cytogenetic location: 16q23.3.
Variant type: single nucleotide variant.
Coding change: c.841A>C on transcript NM_003791.4 (MANE Select); coding-DNA position 841, A replaced by C.
Protein change: p.Asn281His; replaces asparagine 281 with histidine.
Molecular consequence: missense variant.
Genome position (GRCh38, 1-based): chr16:84,093,193, T>G on the plus strand (A>C on the coding strand, the complement: MBTPS1 is on the minus strand). VCF-style: chr16-84093193-T-G. GRCh37 (hg19) VCF-style: chr16-84126798-T-G.
Other names: c.841A>C (NM_003791.2); short protein forms N281H.
Identifiers: ClinVar variation 2054004 (VCV002054004.2), dbSNP rs143291850, ClinGen allele CA8201614.

ClinVar aggregate classification (germline): Uncertain significance. Review status: criteria provided, multiple submitters, no conflicts (2 of 4 stars). 2 submissions from 2 submitters: Uncertain significance (2). Last evaluated 2022-05-28.

Conditions:
Inborn genetic diseases. Identifiers: MedGen C0950123, MeSH D030342.

Allele frequency attached by ClinVar (database versions not stated): ExAC 0.00005; 1000 Genomes Project 0.00020; 1000 Genomes Project 30x 0.00031; ESP Exome Variant Server 0.00054.
gnomAD v4.1: 65 of 1,608,342 alleles (0.004%); highest among the groups gnomAD compares: African/African-American, 0.077%; no homozygotes.

Submissions (2):

Labcorp Genetics (formerly Invitae), Labcorp
Classification: Uncertain significance. Last evaluated: 2022-05-28. Review status: criteria provided, single submitter. Criteria: Invitae Variant Classification Sherloc (09022015). Collection method: clinical testing. Allele origin: germline.
Comment: This sequence change replaces asparagine, which is neutral and polar, with histidine, which is basic and polar, at codon 281 of the MBTPS1 protein (p.Asn281His). This variant is present in population databases (rs143291850, gnomAD 0.07%). This variant has not been reported in the literature in individuals affected with MBTPS1-related conditions. Algorithms developed to predict the effect of missense changes on protein structure and function are either unavailable or do not agree on the potential impact of this missense change (SIFT: "Deleterious"; PolyPhen-2: "Possibly Damaging"; Align-GVGD: "Class C0"). In summary, the available evidence is currently insufficient to determine the role of this variant in disease. Therefore, it has been classified as a Variant of Uncertain Significance.

Ambry Genetics
Classification: Uncertain significance for Inborn genetic diseases. Last evaluated: 2021-09-17. Review status: criteria provided, single submitter. Criteria: Ambry Variant Classification Scheme 2023. Collection method: clinical testing. Allele origin: germline.